The following is an entry in ClinVar:

NM_025137.4(SPG11):c.380C>T (p.Ala127Val)

Gene: SPG11 (SPG11 vesicle trafficking associated, spatacsin; minus strand). Cytogenetic location: 15q21.1.
Variant type: single nucleotide variant.
Coding change: c.380C>T on transcript NM_025137.4 (MANE Select); coding-DNA position 380, C replaced by T.
Protein change: p.Ala127Val; replaces alanine 127 with valine.
Molecular consequence: missense variant.
Genome position (GRCh38, 1-based): chr15:44,660,494, G>A on the plus strand (C>T on the coding strand, the complement: SPG11 is on the minus strand). VCF-style: chr15-44660494-G-A. GRCh37 (hg19) VCF-style: chr15-44952692-G-A.
Other names: c.380C>T, p.Ala127Val (NM_001160227.2); short protein forms A127V.
Identifiers: ClinVar variation 1018881 (VCV001018881.6), dbSNP rs2085073055, ClinGen allele CA392238199.
Genomic context (GRCh38, chr15:44,660,494, plus strand): 5'-ATATCTTGATCGTCAATGAGCTTTTGCAATGCCTCCCTACTACAGCTATACAAAATGGTT[G>A]CATCACATCTTCCATCTTTCAAATTAAATTCATAGATAAGCAGTTCATAATTTTCACCAA-3'
Protein context (NP_079413.3, residues 117-137): EFNLKDGRCD[Ala127Val]TILYSCSREA

ClinVar aggregate classification (germline): Uncertain significance (1 of 4 stars; one submission).

Conditions:
Hereditary spastic paraplegia 11. Also called: SPASTIC PARAPLEGIA, AUTOSOMAL RECESSIVE, COMPLICATED, WITH THIN CORPUS CALLOSUM; SPASTIC PARAPLEGIA, AUTOSOMAL RECESSIVE, WITH MENTAL IMPAIRMENT AND THIN CORPUS CALLOSUM; Spastic Paraplegia 11; Spastic paraplegia, mental retardation and thin corpus callosum; Nakamura Osame syndrome; Autosomal recessive hereditary spastic paraplegia, mental impairment, and thin corpus callosum. Identifiers: Orphanet 2822, MedGen C1858479, MONDO:0011445, OMIM 604360.

Submission:

Labcorp Genetics (formerly Invitae), Labcorp
Classification: Uncertain significance for Hereditary spastic paraplegia 11. Last evaluated: 2021-09-01. Review status: criteria provided, single submitter. Criteria: Invitae Variant Classification Sherloc (09022015). Collection method: clinical testing. Allele origin: germline.
Comment: This sequence change replaces alanine with valine at codon 127 of the SPG11 protein (p.Ala127Val). The alanine residue is moderately conserved and there is a small physicochemical difference between alanine and valine. This variant is not present in population databases (ExAC no frequency). This variant has not been reported in the literature in individuals affected with SPG11-related conditions. Algorithms developed to predict the effect of missense changes on protein structure and function output the following: SIFT: "Tolerated"; PolyPhen-2: "Benign"; Align-GVGD: "Class C0". The valine amino acid residue is found in multiple mammalian species, which suggests that this missense change does not adversely affect protein function. Algorithms developed to predict the effect of sequence changes on RNA splicing suggest that this variant may create or strengthen a splice site. In summary, the available evidence is currently insufficient to determine the role of this variant in disease. Therefore, it has been classified as a Variant of Uncertain Significance.